The following is an entry in ClinVar:

ClinVar aggregate classification (germline): Uncertain significance (1 of 4 stars; one submission).

gnomAD v4.1: 4 of 1,569,214 alleles (0.00025%); highest among the groups gnomAD compares: East Asian, 0.009%; no homozygotes.

Submission:

Greenwood Genetic Center Diagnostic Laboratories, Greenwood Genetic Center
Classification: Uncertain significance. Last evaluated: 2023-04-12. Review status: criteria provided, single submitter. Criteria: ACMG Guidelines, 2015. Collection method: clinical testing. Allele origin: germline. Affected: yes.
Comment: PM2, PP3

NM_005035.4(POLRMT):c.2887G>A (p.Val963Met)

Gene: POLRMT (RNA polymerase mitochondrial; minus strand). Cytogenetic location: 19p13.3.
Variant type: single nucleotide variant.
Coding change: c.2887G>A on transcript NM_005035.4 (MANE Select); coding-DNA position 2887, G replaced by A.
Protein change: p.Val963Met; replaces valine 963 with methionine.
Molecular consequence: missense variant. On other transcripts: non-coding transcript variant (1), intron variant (3).
Genome position (GRCh38, 1-based): chr19:619,765, C>T on the plus strand (G>A on the coding strand, the complement: POLRMT is on the minus strand). VCF-style: chr19-619765-C-T. GRCh37 (hg19) VCF-style: chr19-619765-C-T.
Other names: c.2887G>A, p.Val963Met (NM_001407805.1, NM_001407808.1, NM_001407812.1 and 1 more transcripts); c.2878G>A, p.Val960Met (NM_001407806.1, NM_001407809.1); c.2875G>A, p.Val959Met (NM_001407807.1, NM_001407810.1); c.2845G>A, p.Val949Met (NM_001407811.1, NM_001407813.1); c.2764G>A, p.Val922Met (NM_001407829.1); c.2662G>A, p.Val888Met (NM_001407830.1, NM_001407832.1); c.2563G>A, p.Val855Met (NM_001407831.1, NM_001407833.1, NM_001407835.1); c.2554G>A, p.Val852Met (NM_001407834.1); and 2 more; short protein forms V852M, V855M, V888M, V922M, V949M, V959M, V960M, V963M.
Identifiers: ClinVar variation 2572325 (VCV002572325.1), dbSNP rs1600560342, ClinGen allele CA402895864.